The following is an entry in ClinVar:

NM_000204.5(CFI):c.452A>G (p.Asn151Ser)

Gene: CFI (complement factor I; minus strand). Cytogenetic location: 4q25.
Variant type: single nucleotide variant.
Coding change: c.452A>G on transcript NM_000204.5 (MANE Select); coding-DNA position 452, A replaced by G.
Protein change: p.Asn151Ser; replaces asparagine 151 with serine.
Molecular consequence: missense variant. On other transcripts: non-coding transcript variant (3), intron variant (1).
Genome position (GRCh38, 1-based): chr4:109,764,567, T>C on the plus strand (A>G on the coding strand, the complement: CFI is on the minus strand). VCF-style: chr4-109764567-T-C. GRCh37 (hg19) VCF-style: chr4-110685723-T-C.
Other names: c.452A>G, p.Asn151Ser (NM_001318057.2, NM_001331035.2, NM_001375278.1 and 5 more transcripts); c.-127-2875A>G (NM_001375284.1); c.452A>G (NM_000204.4); short protein forms N151S.
Identifiers: ClinVar variation 372807 (VCV000372807.13), dbSNP rs772044176, ClinGen allele CA3042272.

ClinVar aggregate classification (germline): Conflicting classifications of pathogenicity. Review status: criteria provided, conflicting classifications (1 of 4 stars). 6 submissions from 6 submitters: Likely pathogenic (1); Uncertain significance (5). Last evaluated 2026-02-04.

Conditions:
CFI-related disorder. Also called: CFI-related disorders; CFI-related condition. Identifiers: MedGen CN239325.
Atypical hemolytic-uremic syndrome with I factor anomaly. Also called: HEMOLYTIC UREMIC SYNDROME, ATYPICAL, SUSCEPTIBILITY TO, 3; AHUS, SUSCEPTIBILITY TO, 3. Identifiers: Orphanet 2134, MedGen C2752039, MONDO:0013041, OMIM 612923.
Age related macular degeneration 13. Identifiers: MedGen C3809523, MONDO:0014189, OMIM 615439.
Factor I deficiency (CFID). Also called: Complement factor I deficiency. Identifiers: Orphanet 200418, MedGen C3463916, MONDO:0012594, OMIM 610984.

Allele frequency attached by ClinVar (database versions not stated): ExAC 0.00001; gnomAD 0.00001; gnomAD exomes 0.00001 and 0.00003; TOPMed 0.00003.
gnomAD v4.1: 19 of 1,614,064 alleles (0.0012%); highest among the groups gnomAD compares: Admixed American, 0.012%; no homozygotes.

Submissions (6):

GeneDx
Classification: Uncertain significance. Last evaluated: 2026-02-04. Review status: criteria provided, single submitter. Criteria: GeneDx Variant Classification Process June 2021. Collection method: clinical testing. Allele origin: germline. Affected: yes.
Comment: Published functional studies demonstrate that the N151S variant protein is expressed at reduced levels and shows a dramatic reduction in secretion, and is sensitive to EndoH digestion indicating the protein is retained in the endoplasmic reticulum (PMID: 19877009, 20016463, 37363824); In silico analysis supports that this missense variant has a deleterious effect on protein structure/function; This variant is associated with the following publications: (PMID: 17914026, 23431077, 20016463, 26541438, 24161037, 28282489, 30890598, 32510551, 37363824, 19877009, 38852887, 28187980, 29566171, 30046676, 29888403, 28911789)

Genomenon, Inc
Classification: Likely pathogenic for CFI-related disorder. Last evaluated: 2025-09-26. Review status: criteria provided, single submitter. Criteria: Genomenon Sequence Variant Interpretation Standards - Updated. Collection method: curation. Allele origin: germline. Affected: yes.
Comment: CFI p.Asn151Ser (c.452A>G) is a missense variant that changes the amino acid at residue 151 from Asparagine to Serine. This variant has been observed in at least one proband affected with a CFI-related disorder (PMID:23431077;33912760;26541438;30046676;31865800;17914026;20016463;32510551). The variant was found to segregate with disease in at least one affected family (PMID:17914026). At least one functional study has demonstrated a substantial alteration in protein function relative to the wild-type (PMID:37363824;32510551;19877009;20016463). It is absent or not present at a significant frequency in gnomAD. In conclusion, we classify CFI p.Asn151Ser (c.452A>G) as a likely pathogenic variant.

Labcorp Genetics (formerly Invitae), Labcorp
Classification: Uncertain significance. Last evaluated: 2025-04-01. Review status: criteria provided, single submitter. Criteria: Invitae Variant Classification Sherloc (09022015). Collection method: clinical testing. Allele origin: germline.
Comment: This sequence change replaces asparagine, which is neutral and polar, with serine, which is neutral and polar, at codon 151 of the CFI protein (p.Asn151Ser). This variant is present in population databases (rs772044176, gnomAD 0.009%). This missense change has been observed in individual(s) with atypical hemolytic uremia syndrome, age-related macular degeneration, C3 glomerulopathy, or hypertension-associated thrombotic microangiopathy (PMID: 17914026, 20016463, 23431077, 28187980, 28282489, 29566171, 30046676). This variant is also known as N133S. ClinVar contains an entry for this variant (Variation ID: 372807). Invitae Evidence Modeling of protein sequence and biophysical properties (such as structural, functional, and spatial information, amino acid conservation, physicochemical variation, residue mobility, and thermodynamic stability) indicates that this missense variant is expected to disrupt CFI protein function with a positive predictive value of 95%. Experimental studies have shown that this missense change affects CFI function (PMID: 19877009, 20016463). In summary, the available evidence is currently insufficient to determine the role of this variant in disease. Therefore, it has been classified as a Variant of Uncertain Significance.

Fulgent Genetics
Classification: Uncertain significance for Factor I deficiency; Atypical hemolytic-uremic syndrome with I factor anomaly; Age related macular degeneration 13. Last evaluated: 2024-06-15. Review status: criteria provided, single submitter. Criteria: ACMG Guidelines, 2015. Collection method: clinical testing. Allele origin: germline.

Revvity Omics, Revvity
Classification: Uncertain significance for Factor I deficiency. Last evaluated: 2022-04-08. Review status: criteria provided, single submitter. Criteria: ACMG Guidelines, 2015. Collection method: clinical testing. Allele origin: germline.

Blueprint Genetics
Classification: Uncertain significance. Last evaluated: 2018-02-27. Review status: criteria provided, single submitter. Criteria: ACMG Guidelines, 2015. Collection method: clinical testing. Allele origin: germline.

Literature cited by the submitters: PubMed 23431077 (cited by Genomenon, Inc and Labcorp Genetics (formerly Invitae), Labcorp); 33912760 (cited by Genomenon, Inc); 26541438 (cited by Genomenon, Inc); 30046676 (cited by Genomenon, Inc); 31865800 (cited by Genomenon, Inc); 17914026 (cited by Genomenon, Inc); 20016463 (cited by Genomenon, Inc); 32510551 (cited by Genomenon, Inc); 37363824 (cited by Genomenon, Inc); 19877009 (cited by Genomenon, Inc); PubMed 17914026 (cited by Labcorp Genetics (formerly Invitae), Labcorp); PubMed 20016463 (cited by Labcorp Genetics (formerly Invitae), Labcorp); PubMed 28187980 (cited by Labcorp Genetics (formerly Invitae), Labcorp); PubMed 28282489 (cited by Labcorp Genetics (formerly Invitae), Labcorp); PubMed 29566171 (cited by Labcorp Genetics (formerly Invitae), Labcorp); PubMed 30046676 (cited by Labcorp Genetics (formerly Invitae), Labcorp); PubMed 19877009 (cited by Labcorp Genetics (formerly Invitae), Labcorp).